The following is an entry in ClinVar:

NM_024408.4(NOTCH2):c.2830G>T (p.Asp944Tyr)

Gene: NOTCH2 (notch receptor 2; minus strand). Cytogenetic location: 1p12.
Variant type: single nucleotide variant.
Coding change: c.2830G>T on transcript NM_024408.4 (MANE Select); coding-DNA position 2830, G replaced by T.
Protein change: p.Asp944Tyr; replaces aspartic acid 944 with tyrosine.
Molecular consequence: missense variant.
Genome position (GRCh38, 1-based): chr1:119,941,677, C>A on the plus strand (G>T on the coding strand, the complement: NOTCH2 is on the minus strand). VCF-style: chr1-119941677-C-A. GRCh37 (hg19) VCF-style: chr1-120484300-C-A.
Other names: p.Asp944Tyr; c.2830G>T, p.Asp944Tyr (NM_001200001.2); short protein forms D944Y.
Identifiers: ClinVar variation 594393 (VCV000594393.23), dbSNP rs151130105, ClinGen allele CA1040192.

ClinVar aggregate classification (germline): Conflicting classifications of pathogenicity. Review status: criteria provided, conflicting classifications (1 of 4 stars). 7 submissions from 7 submitters: Uncertain significance (3); Benign (1); Likely benign (2). 1 of the submissions does not count toward it. Last evaluated 2026-01-14.

Conditions:
NOTCH2-related disorder. Also called: NOTCH2-related condition.
Inborn genetic diseases. Identifiers: MedGen C0950123, MeSH D030342.
Hajdu-Cheney syndrome (HJCYS). Also called: ACROOSTEOLYSIS WITH OSTEOPOROSIS AND CHANGES IN SKULL AND MANDIBLE; SERPENTINE FIBULA-POLYCYSTIC KIDNEY SYNDROME; Acroosteolysis dominant type. Identifiers: Orphanet 955, MedGen C0917715, MONDO:0007057, OMIM 102500.

Allele frequency attached by ClinVar (database versions not stated): gnomAD exomes 0.00004 and 0.00015; ExAC 0.00021; 1000 Genomes Project 0.00040; 1000 Genomes Project 30x 0.00047; ESP Exome Variant Server 0.00062; gnomAD 0.00062 and 0.00067; TOPMed 0.00082.
gnomAD v4.1: 170 of 1,614,178 alleles (0.011%); highest among the groups gnomAD compares: African/African-American, 0.19%; 3 homozygotes.

Submissions (7):

Labcorp Genetics (formerly Invitae), Labcorp
Classification: Likely benign for Hajdu-Cheney syndrome. Last evaluated: 2026-01-14. Review status: criteria provided, single submitter. Criteria: Invitae Variant Classification Sherloc (09022015). Collection method: clinical testing. Allele origin: germline.

Blueprint Genetics
Classification: Likely benign. Last evaluated: 2024-10-07. Review status: criteria provided, single submitter. Criteria: ACMG Guidelines, 2015. Collection method: clinical testing. Allele origin: germline.

Mayo Clinic Laboratories, Mayo Clinic
Classification: Uncertain significance. Last evaluated: 2024-05-28. Review status: criteria provided, single submitter. Criteria: ACMG Guidelines, 2015. Collection method: clinical testing. Allele origin: germline. Observed: 3 variant alleles.
Comment: BS1

Ambry Genetics
Classification: Uncertain significance for Inborn genetic diseases. Last evaluated: 2022-09-14. Review status: criteria provided, single submitter. Criteria: Ambry Variant Classification Scheme 2023. Collection method: clinical testing. Allele origin: germline.

GeneDx
Classification: Benign. Last evaluated: 2020-02-26. Review status: criteria provided, single submitter. Criteria: GeneDx Variant Classification Process June 2021. Collection method: clinical testing. Allele origin: germline. Affected: yes.

Eurofins Ntd Llc (ga)
Classification: Uncertain significance. Last evaluated: 2017-10-05. Review status: criteria provided, single submitter. Criteria: EGL Classification Definitions 2015. Collection method: clinical testing. Allele origin: germline. Observed: 2 variant alleles, 2 heterozygotes.

PreventionGenetics, part of Exact Sciences
Classification: Likely benign for NOTCH2-related condition. Last evaluated: 2020-02-20. Review status: no assertion criteria provided. Collection method: clinical testing. Allele origin: germline. Not counted in ClinVar's aggregate classification.
Comment: This variant is classified as likely benign based on ACMG/AMP sequence variant interpretation guidelines (Richards et al. 2015 PMID: 25741868, with internal and published modifications).